The following is an entry in ClinVar:

ClinVar aggregate classification (germline): Uncertain significance. Review status: criteria provided, multiple submitters, no conflicts (2 of 4 stars). 2 submissions from 2 submitters: Uncertain significance (2). Last evaluated 2024-03-15.

Conditions:
Inborn genetic diseases. Identifiers: MedGen C0950123, MeSH D030342.

Allele frequency attached by ClinVar (database versions not stated): TOPMed below 0.00001; gnomAD 0.00001; ExAC 0.00003; 1000 Genomes Project 30x 0.00016; 1000 Genomes Project 0.00020.
gnomAD v4.1: 17 of 1,614,198 alleles (0.0011%); highest among the groups gnomAD compares: Admixed American, 0.005%; no homozygotes.

Submissions (2):

GeneDx
Classification: Uncertain significance. Last evaluated: 2024-03-15. Review status: criteria provided, single submitter. Criteria: GeneDx Variant Classification Process June 2021. Collection method: clinical testing. Allele origin: germline. Affected: yes.
Comment: In silico analysis supports that this missense variant does not alter protein structure/function; Has not been previously published as pathogenic or benign to our knowledge

Ambry Genetics
Classification: Uncertain significance for Inborn genetic diseases. Last evaluated: 2023-12-31. Review status: criteria provided, single submitter. Criteria: Ambry Variant Classification Scheme 2023. Collection method: clinical testing. Allele origin: germline.

NM_020318.3(PAPPA2):c.1850G>A (p.Arg617His)

Gene: PAPPA2 (pappalysin 2; plus strand). Cytogenetic location: 1q25.2.
Variant type: single nucleotide variant.
Coding change: c.1850G>A on transcript NM_020318.3 (MANE Select); coding-DNA position 1850, G replaced by A.
Protein change: p.Arg617His; replaces arginine 617 with histidine.
Molecular consequence: missense variant.
Genome position (GRCh38, 1-based): chr1:176,595,454, G>A. VCF-style: chr1-176595454-G-A. GRCh37 (hg19) VCF-style: chr1-176564590-G-A.
Other names: c.1850G>A, p.Arg617His (NM_021936.3); short protein forms R617H.
Identifiers: ClinVar variation 3208480 (VCV003208480.2), dbSNP rs541683741, ClinGen allele CA1257372.